The following is an entry in ClinVar:

NM_000053.4(ATP7B):c.3863C>T (p.Thr1288Met)

Gene: ATP7B (ATPase copper transporting beta; minus strand). Cytogenetic location: 13q14.3.
Variant type: single nucleotide variant.
Coding change: c.3863C>T on transcript NM_000053.4 (MANE Select); coding-DNA position 3863, C replaced by T.
Protein change: p.Thr1288Met; replaces threonine 1288 with methionine.
Molecular consequence: missense variant.
Genome position (GRCh38, 1-based): chr13:51,937,516, G>A on the plus strand (C>T on the coding strand, the complement: ATP7B is on the minus strand). VCF-style: chr13-51937516-G-A. GRCh37 (hg19) VCF-style: chr13-52511652-G-A.
Other names: c.3242C>T, p.Thr1081Met (NM_001005918.3); c.3530C>T, p.Thr1177Met (NM_001243182.2); c.3629C>T, p.Thr1210Met (NM_001330578.2); c.3611C>T, p.Thr1204Met (NM_001330579.2); short protein forms T1288M, T1081M, T1177M, T1204M, T1210M.
Identifiers: ClinVar variation 554964 (VCV000554964.15), dbSNP rs373748155, ClinGen allele CA6988555.
Genomic context (GRCh38, chr13:51,937,516, plus strand): 5'-CTGGCTGCAGCCACGCTCACTCTGATAAGGACGACGTCGGCTGCCTCGATGGCCACATCC[G>A]TGCCGGTGCCAATGGCCACACCCATGTCTGCCTGGGCCAAGGCCGGGGAGTCATTGACCC-3'
Protein context (NP_000044.2, residues 1278-1298): ADMGVAIGTG[Thr1288Met]DVAIEAADVV

ClinVar aggregate classification (germline): Conflicting classifications of pathogenicity. Review status: criteria provided, conflicting classifications (1 of 4 stars). 6 submissions from 6 submitters: Likely pathogenic (1); Uncertain significance (3). 2 of the submissions do not count toward it. Last evaluated 2026-01-14.

Conditions:
Wilson disease (WND). Also called: Wilson's disease. Identifiers: Orphanet 905, MedGen C0019202, MONDO:0010200, OMIM 277900. Disease mechanism: loss of function.

Allele frequency attached by ClinVar (database versions not stated): ExAC 0.00001; gnomAD 0.00001; gnomAD exomes 0.00001; TOPMed 0.00002; ESP Exome Variant Server 0.00008.
gnomAD v4.1: 46 of 1,614,026 alleles (0.0029%); highest among the groups gnomAD compares: Non-Finnish European, 0.0035%; no homozygotes.

Submissions (6):

Labcorp Genetics (formerly Invitae), Labcorp
Classification: Likely pathogenic for Wilson disease. Last evaluated: 2026-01-14. Review status: criteria provided, single submitter. Criteria: Invitae Variant Classification Sherloc (09022015). Collection method: clinical testing. Allele origin: germline.
Comment: This sequence change replaces threonine, which is neutral and polar, with methionine, which is neutral and non-polar, at codon 1288 of the ATP7B protein (p.Thr1288Met). This variant is present in population databases (rs373748155, gnomAD 0.003%). This missense change has been observed in individual(s) with clinical features of ATP7B-related conditions and/or Wilson disease (PMID: 20967755; internal data). In at least one individual the data is consistent with being in trans (on the opposite chromosome) from a pathogenic variant. ClinVar contains an entry for this variant (Variation ID: 554964). Invitae Evidence Modeling of protein sequence and biophysical properties (such as structural, functional, and spatial information, amino acid conservation, physicochemical variation, residue mobility, and thermodynamic stability) indicates that this missense variant is expected to disrupt ATP7B protein function with a positive predictive value of 80%. This variant disrupts the p.Thr1288 amino acid residue in ATP7B. Other variant(s) that disrupt this residue have been determined to be pathogenic (PMID: 16416207, 17410460; internal data). This suggests that this residue is clinically significant, and that variants that disrupt this residue are likely to be disease-causing. In summary, the currently available evidence indicates that the variant is pathogenic, but additional data are needed to prove that conclusively. Therefore, this variant has been classified as Likely Pathogenic.

Women's Health and Genetics/Laboratory Corporation of America, LabCorp
Classification: Uncertain significance. Last evaluated: 2025-06-24. Review status: criteria provided, single submitter. Criteria: LabCorp Variant Classification Summary - May 2015. Collection method: clinical testing. Allele origin: germline.
Comment: Variant summary: ATP7B c.3863C>T (p.Thr1288Met) results in a non-conservative amino acid change in the encoded protein sequence. Algorithms developed to predict the effect of missense changes on protein structure and function all suggest that this variant is likely to be disruptive. The variant allele was found at a frequency of 8e-06 in 249536 control chromosomes. c.3863C>T has been observed in individual affected with Wilson Disease (example: Lepori_2007, Nicastro_2010, internal data). These data indicate that the variant may be associated with disease. To our knowledge, no experimental evidence demonstrating an impact on protein function has been reported. The following publications have been ascertained in the context of this evaluation (PMID: 17949296, 20967755). ClinVar contains an entry for this variant (Variation ID: 554964). Based on the evidence outlined above, the variant was classified as VUS-possibly pathogenic.

Fulgent Genetics
Classification: Uncertain significance for Wilson disease. Last evaluated: 2024-03-28. Review status: criteria provided, single submitter. Criteria: ACMG Guidelines, 2015. Collection method: clinical testing. Allele origin: germline.

Genome-Nilou Lab
Classification: Uncertain significance for Wilson disease. Last evaluated: 2021-09-05. Review status: criteria provided, single submitter. Criteria: ACMG Guidelines, 2015. Collection method: clinical testing. Allele origin: germline. Affected: no.

Natera, Inc.
Classification: Uncertain significance for Wilson disease. Last evaluated: 2020-03-13. Review status: no assertion criteria provided. Collection method: clinical testing. Allele origin: germline. Not counted in ClinVar's aggregate classification.

Counsyl
Classification: Uncertain significance for Wilson disease. Last evaluated: 2017-11-09. Review status: no assertion criteria provided. Collection method: clinical testing. Allele origin: unknown. Not counted in ClinVar's aggregate classification.

Literature cited by the submitters: PubMed 20967755 (cited by 3 submitters); PubMed 16416207 (cited by Labcorp Genetics (formerly Invitae), Labcorp); PubMed 17410460 (cited by Labcorp Genetics (formerly Invitae), Labcorp); PubMed 17949296 (cited by Women's Health and Genetics/Laboratory Corporation of America, LabCorp); PubMed 22692182 (cited by Counsyl).